The following is an entry in ClinVar:

NM_015909.4(NBAS):c.5989G>C (p.Glu1997Gln)

Gene: NBAS (NBAS subunit of NRZ tethering complex; minus strand). Cytogenetic location: 2p24.3.
Variant type: single nucleotide variant.
Coding change: c.5989G>C on transcript NM_015909.4 (MANE Select); coding-DNA position 5989, G replaced by C.
Protein change: p.Glu1997Gln; replaces glutamic acid 1997 with glutamine.
Molecular consequence: missense variant. On other transcripts: non-coding transcript variant (1).
Genome position (GRCh38, 1-based): chr2:15,234,702, C>G on the plus strand (G>C on the coding strand, the complement: NBAS is on the minus strand). VCF-style: chr2-15234702-C-G. GRCh37 (hg19) VCF-style: chr2-15374826-C-G.
Other names: short protein forms E1997Q.
Identifiers: ClinVar variation 2526824 (VCV002526824.4), dbSNP rs770359572, ClinGen allele CA1535142.
Genomic context (GRCh38, chr2:15,234,702, plus strand): 5'-TTGCTAGAGGCTGACCATCTAAACAAATAGCCACAGCTTCATCATGAAGTTTCTCTTTTT[C>G]TGATCGGGACAGATCATAGAGGTGACTGTATTTTTGCAGTGTTTCCTGTAAAGACATGGT-3'
Protein context (NP_056993.2, residues 1987-2007): YSHLYDLSRS[Glu1997Gln]KEKLHDEAVA

ClinVar aggregate classification (germline): Uncertain significance. Review status: criteria provided, multiple submitters, no conflicts (2 of 4 stars). 2 submissions from 2 submitters: Uncertain significance (2). Last evaluated 2025-10-02.

Conditions:
Inborn genetic diseases. Identifiers: MedGen C0950123, MeSH D030342.

Allele frequency attached by ClinVar (database versions not stated): gnomAD exomes 0.00001; ExAC 0.00002.
gnomAD v4.1: 8 of 1,614,138 alleles (0.0005%); highest among the groups gnomAD compares: Admixed American, 0.013%; no homozygotes.

Submissions (2):

Ambry Genetics
Classification: Uncertain significance for Inborn genetic diseases. Last evaluated: 2025-10-02. Review status: criteria provided, single submitter. Criteria: Ambry Variant Classification Scheme 2023. Collection method: clinical testing. Allele origin: germline.

Labcorp Genetics (formerly Invitae), Labcorp
Classification: Uncertain significance. Last evaluated: 2024-01-11. Review status: criteria provided, single submitter. Criteria: Invitae Variant Classification Sherloc (09022015). Collection method: clinical testing. Allele origin: germline.
Comment: This sequence change replaces glutamic acid, which is acidic and polar, with glutamine, which is neutral and polar, at codon 1997 of the NBAS protein (p.Glu1997Gln). This variant is present in population databases (rs770359572, gnomAD 0.02%). This variant has not been reported in the literature in individuals affected with NBAS-related conditions. ClinVar contains an entry for this variant (Variation ID: 2526824). Advanced modeling of protein sequence and biophysical properties (such as structural, functional, and spatial information, amino acid conservation, physicochemical variation, residue mobility, and thermodynamic stability) performed at Invitae indicates that this missense variant is not expected to disrupt NBAS protein function with a negative predictive value of 80%. In summary, the available evidence is currently insufficient to determine the role of this variant in disease. Therefore, it has been classified as a Variant of Uncertain Significance.